The following is an entry in ClinVar:

NM_024306.5(FA2H):c.131del (p.Pro44fs)

Genes: FA2H (fatty acid 2-hydroxylase; minus strand), LOC130059394 (ATAC-STARR-seq lymphoblastoid silent region 7701; plus strand). Cytogenetic location: 16q23.1.
Variant type: Deletion.
Coding change: c.131del on transcript NM_024306.5 (MANE Select); coding-DNA position 131, one base deleted (C; older notation c.131delC).
Protein change: p.Pro44fs; shifts the reading frame from proline 44.
Molecular consequence: frameshift variant.
Genome position (GRCh38, 1-based): chr16:74,774,625, G deleted on the plus strand (C on the coding strand, the reverse complement: FA2H is on the minus strand); the first of 3 consecutive G bases (chr16:74,774,625-74,774,627); deleting any one gives the same sequence. VCF-style (leftmost placement, unchanged base first): chr16-74774624-CG-C. GRCh37 (hg19) VCF-style: chr16-74808522-CG-C.
Other names: c.131delC (NM_024306.5); short protein forms P44fs.
Identifiers: ClinVar variation 1210342 (VCV001210342.4), dbSNP rs2144672539, ClinGen allele CA2499223690.

ClinVar aggregate classification (germline): Pathogenic. Review status: criteria provided, multiple submitters, no conflicts (2 of 4 stars). 2 submissions from 2 submitters: Pathogenic (2). Last evaluated 2025-01-08.

Conditions:
Hereditary spastic paraplegia 35. Also called: Spastic paraplegia 35, autosomal recessive; Spastic paraplegia 35; SPASTIC PARAPLEGIA 35, AUTOSOMAL RECESSIVE, WITH OR WITHOUT NEURODEGENERATION; LEUKODYSTROPHY, DYSMYELINATING, AND SPASTIC PARAPARESIS WITH OR WITHOUT DYSTONIA. Identifiers: Orphanet 171629, MedGen C3496228, MONDO:0012866, OMIM 612319.

Submissions (2):

3billion
Classification: Pathogenic for Hereditary spastic paraplegia 35. Last evaluated: 2025-01-08. Review status: criteria provided, single submitter. Criteria: ACMG Guidelines, 2015. Collection method: clinical testing. Allele origin: germline. Affected: yes.
Comment: The variant is not observed in the gnomAD v4.1.0 dataset. Predicted Consequence/Location: Frameshift: predicted to result in a loss or disruption of normal protein function through nonsense-mediated decay (NMD) or protein truncation. Multiple pathogenic variants are reported downstream of the variant. The variant has been reported to be associated with FA2H-related disorder (ClinVar ID: VCV001210342). Therefore, this variant is classified as Pathogenic according to the recommendation of ACMG/AMP guideline.

Genome-Nilou Lab
Classification: Pathogenic for Hereditary spastic paraplegia 35. Last evaluated: 2021-07-22. Review status: criteria provided, single submitter. Criteria: ACMG Guidelines, 2015. Collection method: clinical testing. Allele origin: germline. Affected: yes.